The following is an entry in ClinVar:

NM_001999.4(FBN2):c.8275C>G (p.Pro2759Ala)

Gene: FBN2 (fibrillin 2; minus strand). Cytogenetic location: 5q23.3.
Variant type: single nucleotide variant.
Coding change: c.8275C>G on transcript NM_001999.4 (MANE Select); coding-DNA position 8275, C replaced by G.
Protein change: p.Pro2759Ala; replaces proline 2759 with alanine.
Molecular consequence: missense variant.
Genome position (GRCh38, 1-based): chr5:128,261,825, G>C on the plus strand (C>G on the coding strand, the complement: FBN2 is on the minus strand). VCF-style: chr5-128261825-G-C. GRCh37 (hg19) VCF-style: chr5-127597517-G-C.
Other names: short protein forms P2759A.
Identifiers: ClinVar variation 665704 (VCV000665704.9), dbSNP rs1158966833, ClinGen allele CA360747602.

ClinVar aggregate classification (germline): Uncertain significance (1 of 4 stars; one submission).

Conditions:
Congenital contractural arachnodactyly (CCA). Also called: BEALS SYNDROME; Beals-Hecht syndrome; Arthrogryposis, distal, type 9. Identifiers: Orphanet 115, MedGen C0220668, MONDO:0007363, OMIM 121050.

Allele frequency attached by ClinVar (database versions not stated): gnomAD exomes below 0.00001.
gnomAD v4.1: 1 of 1,613,996 alleles (0.000062%); highest among the groups gnomAD compares: Admixed American, 0.0017%; no homozygotes.

Submission:

Labcorp Genetics (formerly Invitae), Labcorp
Classification: Uncertain significance for Congenital contractural arachnodactyly. Last evaluated: 2018-09-04. Review status: criteria provided, single submitter. Criteria: Invitae Variant Classification Sherloc (09022015). Collection method: clinical testing. Allele origin: germline.
Comment: In summary, the available evidence is currently insufficient to determine the role of this variant in disease. Therefore, it has been classified as a Variant of Uncertain Significance. Algorithms developed to predict the effect of missense changes on protein structure and function are either unavailable or do not agree on the potential impact of this missense change (SIFT: "Deleterious"; PolyPhen-2: "Benign"; Align-GVGD: "Class C25"). This variant has not been reported in the literature in individuals with FBN2-related disease. This variant is not present in population databases (ExAC no frequency). This sequence change replaces proline with alanine at codon 2759 of the FBN2 protein (p.Pro2759Ala). The proline residue is highly conserved and there is a small physicochemical difference between proline and alanine.